The following is an entry in ClinVar:

ClinVar aggregate classification (germline): Pathogenic (1 of 4 stars; one submission).

Conditions:
Arrhythmogenic right ventricular dysplasia 9 (ARVD9). Also called: Arrhythmogenic Right Ventricular Dysplasia/Cardiomyopathy 9; ARRHYTHMOGENIC RIGHT VENTRICULAR DYSPLASIA, FAMILIAL, 9. Identifiers: MedGen C1836906, MONDO:0012180, OMIM 609040.

Submission:

Labcorp Genetics (formerly Invitae), Labcorp
Classification: Pathogenic for Arrhythmogenic right ventricular dysplasia 9. Last evaluated: 2024-09-29. Review status: criteria provided, single submitter. Criteria: Invitae Variant Classification Sherloc (09022015). Collection method: clinical testing. Allele origin: germline.
Comment: This sequence change creates a premature translational stop signal (p.Asp363Profs*23) in the PKP2 gene. It is expected to result in an absent or disrupted protein product. Loss-of-function variants in PKP2 are known to be pathogenic (PMID: 15489853, 17041889, 23911551). This variant is not present in population databases (gnomAD no frequency). This variant has not been reported in the literature in individuals affected with PKP2-related conditions. For these reasons, this variant has been classified as Pathogenic.

Literature cited by the submitters: PubMed 15489853; PubMed 17041889; PubMed 23911551.

NM_001005242.3(PKP2):c.1087_1088del (p.Asp363fs)

Gene: PKP2 (plakophilin 2; minus strand). Cytogenetic location: 12p11.21.
Variant type: Deletion.
Coding change: c.1087_1088del on transcript NM_001005242.3 (MANE Select); coding-DNA positions 1087 to 1088, 2 bases deleted (GA; older notation c.1087_1088delGA).
Protein change: p.Asp363fs; shifts the reading frame from aspartic acid 363.
Molecular consequence: frameshift variant.
Genome position (GRCh38, 1-based): chr12:32,869,009-32,869,010, TC deleted on the plus strand (GA on the coding strand, the reverse complement: PKP2 is on the minus strand); deleting any 2 consecutive bases within chr12:32,869,009-32,869,011 gives the same sequence; the c. name uses the placement nearest the transcript's 3' end. VCF-style (leftmost placement, unchanged base first): chr12-32869008-GTC-G. GRCh37 (hg19) VCF-style: chr12-33021942-GTC-G.
Other names: c.1087_1088del, p.Asp363fs (NM_001407155.1, NM_001407156.1, NM_001407157.1 and 2 more transcripts); c.760_761del, p.Asp254fs (NM_001407158.1, NM_001407159.1, NM_001407160.1 and 1 more transcripts); short protein forms D254fs, D363fs.
Identifiers: ClinVar variation 3721784 (VCV003721784.2).
Genomic context (GRCh38, chr12:32,869,008, plus strand): 5'-CTGGAAGCACTCGTGCTGTATGAAAGTAGCTGCAGCAGAAATCCTGGATGGCAGCATGTG[GTC>G]TGCCTCGAGCATACTCACTGCTCGCTCCAGAGTCATCTCCATGTCTGCATTCCTAGACAA-3'